The following is an entry in ClinVar:

ClinVar aggregate classification (germline): Likely benign. Review status: criteria provided, multiple submitters, no conflicts (2 of 4 stars). 3 submissions from 3 submitters: Likely benign (3). Last evaluated 2025-06-12.

Allele frequency attached by ClinVar (database versions not stated): TOPMed 0.00006.
gnomAD v4.1: 50 of 1,614,082 alleles (0.0031%); highest among the groups gnomAD compares: Middle Eastern, 0.016%; no homozygotes.

Submissions (3):

Labcorp Genetics (formerly Invitae), Labcorp
Classification: Likely benign. Last evaluated: 2025-06-12. Review status: criteria provided, single submitter. Criteria: Invitae Variant Classification Sherloc (09022015). Collection method: clinical testing. Allele origin: germline.

Blueprint Genetics
Classification: Likely benign. Last evaluated: 2024-10-10. Review status: criteria provided, single submitter. Criteria: ACMG Guidelines, 2015. Collection method: clinical testing. Allele origin: germline.

CeGaT Center for Human Genetics Tuebingen
Classification: Likely benign. Last evaluated: 2024-01-01. Review status: criteria provided, single submitter. Criteria: CeGaT Center For Human Genetics Tuebingen Variant Classification Criteria Version 2. Collection method: clinical testing. Allele origin: germline. Affected: yes. Observed: 2 variant alleles.
Comment: DEAF1: BP4, BP7

NM_021008.4(DEAF1):c.1209C>T (p.Ile403=)

Gene: DEAF1 (DEAF1 transcription factor; minus strand). Cytogenetic location: 11p15.5.
Variant type: single nucleotide variant.
Coding change: c.1209C>T on transcript NM_021008.4 (MANE Select); coding-DNA position 1209, C replaced by T.
Protein change: p.Ile403=; no amino-acid change (isoleucine 403 retained).
Molecular consequence: synonymous variant.
Genome position (GRCh38, 1-based): chr11:678,740, G>A on the plus strand (C>T on the coding strand, the complement: DEAF1 is on the minus strand). VCF-style: chr11-678740-G-A. GRCh37 (hg19) VCF-style: chr11-678740-G-A.
Other names: c.942C>T, p.Ile314= (NM_001293634.2); c.483C>T, p.Ile161= (NM_001367390.1).
Identifiers: ClinVar variation 444241 (VCV000444241.48), dbSNP rs540108800, ClinGen allele CA5786279.
Genomic context (GRCh38, chr11:678,740, plus strand): 5'-TCTTTCAAACCTACCTATTTTGGGATGTGACGTTGGCAACGCAGCTTCTGGAAACGGTGC[G>A]ATCTGGCAGCTGTCCTGATAGCCGGGGTAGTGAGGCTCAGGGTGGCTGGCCCTGCATGGG-3'
Protein context (NP_066288.2, residues 393-413): HYPGYQDSCQ[Ile403=]APFPEAALPT